The following is an entry in ClinVar:

ClinVar aggregate classification (germline): Uncertain significance (1 of 4 stars; one submission).

Allele frequency attached by ClinVar (database versions not stated): gnomAD 0.00001 and 0.00002; gnomAD exomes 0.00002; ExAC 0.00008; 1000 Genomes Project 0.00026; 1000 Genomes Project 30x 0.00042.
gnomAD v4.1: 6 of 1,173,729 alleles (0.00051%); highest among the groups gnomAD compares: Admixed American, 0.0098%; no homozygotes.

Submission:

Labcorp Genetics (formerly Invitae), Labcorp
Classification: Uncertain significance. Last evaluated: 2026-01-05. Review status: criteria provided, single submitter. Criteria: Invitae Variant Classification Sherloc (09022015). Collection method: clinical testing. Allele origin: germline.
Comment: This sequence change replaces arginine, which is basic and polar, with leucine, which is neutral and non-polar, at codon 969 of the CACNA1F protein (p.Arg969Leu). This variant is not present in population databases (gnomAD no frequency). This variant has not been reported in the literature in individuals affected with CACNA1F-related conditions. ClinVar contains an entry for this variant (Variation ID: 1465753). Invitae Evidence Modeling of protein sequence and biophysical properties (such as structural, functional, and spatial information, amino acid conservation, physicochemical variation, residue mobility, and thermodynamic stability) indicates that this missense variant is expected to disrupt CACNA1F protein function with a positive predictive value of 80%. In summary, the available evidence is currently insufficient to determine the role of this variant in disease. Therefore, it has been classified as a Variant of Uncertain Significance.

NM_001256789.3(CACNA1F):c.2873G>T (p.Arg958Leu)

Gene: CACNA1F (calcium voltage-gated channel subunit alpha1 F; minus strand). Cytogenetic location: Xp11.23.
Variant type: single nucleotide variant.
Coding change: c.2873G>T on transcript NM_001256789.3 (MANE Select); coding-DNA position 2873, G replaced by T.
Protein change: p.Arg958Leu; replaces arginine 958 with leucine.
Molecular consequence: missense variant.
Genome position (GRCh38, 1-based): chrX:49,218,510, C>A on the plus strand (G>T on the coding strand, the complement: CACNA1F is on the minus strand). VCF-style: chrX-49218510-C-A. GRCh37 (hg19) VCF-style: chrX-49074969-C-A.
Other names: c.2711G>T, p.Arg904Leu (NM_001256790.3); c.2906G>T, p.Arg969Leu (NM_005183.4); short protein forms R969L, R904L, R958L.
Identifiers: ClinVar variation 1465753 (VCV001465753.6), dbSNP rs782194677, ClinGen allele CA10410584.
Genomic context (GRCh38, chrX:49,218,510, plus strand): 5'-GTTACCTTGAGTCCCTTGGCCCTGTTGATGGCTCGGAGGGGCCGCAGTACTCGGAGTACT[C>A]GCAGAATCTTCACCACCGAGATGGCGCTGGAGCTGGGGAAGGGGCAATCCTCAGGCATTG-3'
Protein context (NP_001243718.1, residues 948-968): SSAISVVKIL[Arg958Leu]VLRVLRPLRA